The following is an entry in ClinVar:

NM_004168.4(SDHA):c.1750G>A (p.Ala584Thr)

Gene: SDHA (succinate dehydrogenase complex flavoprotein subunit A; plus strand). Cytogenetic location: 5p15.33.
Variant type: single nucleotide variant.
Coding change: c.1750G>A on transcript NM_004168.4 (MANE Select); coding-DNA position 1750, G replaced by A.
Protein change: p.Ala584Thr; replaces alanine 584 with threonine.
Molecular consequence: missense variant. On other transcripts: intron variant (1).
Genome position (GRCh38, 1-based): chr5:251,424, G>A. VCF-style: chr5-251424-G-A. GRCh37 (hg19) VCF-style: chr5-251539-G-A.
Other names: c.1606G>A, p.Ala536Thr (NM_001294332.2); c.1552-2969G>A (NM_001330758.2); short protein forms A584T, A536T.
Identifiers: ClinVar variation 239656 (VCV000239656.11), dbSNP rs878854629, ClinGen allele CA10582431.

ClinVar aggregate classification (germline): Uncertain significance. Review status: criteria provided, multiple submitters, no conflicts (2 of 4 stars). 4 submissions from 4 submitters: Uncertain significance (4). Last evaluated 2026-04-27.

Conditions:
Mitochondrial complex II deficiency, nuclear type 1. Also called: SUCCINATE CoQ REDUCTASE DEFICIENCY. Identifiers: Orphanet 3208, MedGen C5700310, MONDO:0100294, OMIM 252011.
Pheochromocytoma/paraganglioma syndrome 5. Also called: Paragangliomas 5; SDHA-Related Hereditary Paraganglioma-Pheochromocytoma Syndrome. Identifiers: Orphanet 29072, MedGen C3279992, MONDO:0013602, OMIM 614165.
Dilated cardiomyopathy 1GG (CMD1GG). Identifiers: Orphanet 154, MedGen C3150898, MONDO:0013339, OMIM 613642.
Neurodegeneration with ataxia and late-onset optic atrophy. Identifiers: MedGen C5543254, MONDO:0031006, OMIM 619259.
Hereditary cancer-predisposing syndrome. Also called: Neoplastic Syndromes, Hereditary; Hereditary Cancer Syndrome; Tumor predisposition; Hereditary neoplastic syndrome. Identifiers: Orphanet 140162, MedGen C0027672, MeSH D009386, MONDO:0015356.

Allele frequency attached by ClinVar (database versions not stated): gnomAD exomes below 0.00001 and 0.00001; gnomAD 0.00002; TOPMed 0.00002.
gnomAD v4.1: 4 of 1,613,852 alleles (0.00025%); highest among the groups gnomAD compares: African/African-American, 0.004%; no homozygotes.

Submissions (4):

Clinical Genomics Laboratory, Washington University in St. Louis
Classification: Uncertain significance for Mitochondrial complex II deficiency, nuclear type 1; Dilated cardiomyopathy 1GG; Neurodegeneration with ataxia and late-onset optic atrophy; Pheochromocytoma/paraganglioma syndrome 5. Last evaluated: 2026-04-27. Review status: criteria provided, single submitter. Criteria: ACMG Guidelines, 2015. Collection method: clinical testing. Allele origin: germline.
Comment: An SDHA c.1750G>A (p.Ala584Thr) variant was identified in a heterozygous state. This variant has been reported in two individuals affected with breast cancer in a germline state and in endometrial cancer in a somatic state, but to our knowledge, has not been reported in the medical literature in patients with heart diseases (McDonald JT et al., PMID: 36315513; Stan A et al., PMID: 38408048). It has been reported in the ClinVar database as a germline variant of uncertain significance by three submitters (Variation ID: 239656). It is only observed in 2/251,004 alleles in the general population (gnomAD v2.1.1), indicating it is not a common variant. Computational predictors are uncertain as to the impact of this variant on SDHA function. Another variant in the same codon, c.1751C>T (p.A584V), has been reported in cancer in a germline state and is considered pathogenic (Han SH et al., PMID: 38496821, Casey RT et al., PMID: 28546994, ClinVar Variation ID: 239657). Due to limited information, and based on ACMG/AMP guidelines for variant interpretation (Richards S et al., PMID: 25741868), the clinical significance of this variant is uncertain at this time.

Labcorp Genetics (formerly Invitae), Labcorp
Classification: Uncertain significance for Pheochromocytoma/paraganglioma syndrome 5; Mitochondrial complex II deficiency, nuclear type 1. Last evaluated: 2026-01-13. Review status: criteria provided, single submitter. Criteria: Invitae Variant Classification Sherloc (09022015). Collection method: clinical testing. Allele origin: germline.
Comment: This sequence change replaces alanine, which is neutral and non-polar, with threonine, which is neutral and polar, at codon 584 of the SDHA protein (p.Ala584Thr). This variant is present in population databases (no rsID available, gnomAD 0.007%). This missense change has been observed in individual(s) with breast cancer (PMID: 36315513). ClinVar contains an entry for this variant (Variation ID: 239656). Invitae Evidence Modeling of protein sequence and biophysical properties (such as structural, functional, and spatial information, amino acid conservation, physicochemical variation, residue mobility, and thermodynamic stability) indicates that this missense variant is not expected to disrupt SDHA protein function with a negative predictive value of 95%. In summary, the available evidence is currently insufficient to determine the role of this variant in disease. Therefore, it has been classified as a Variant of Uncertain Significance.

Quest Diagnostics Nichols Institute San Juan Capistrano
Classification: Uncertain significance. Last evaluated: 2024-11-25. Review status: criteria provided, single submitter. Criteria: Quest Diagnostics criteria. Collection method: clinical testing. Allele origin: unknown.
Comment: The SDHA c.1750G>A (p.Ala584Thr) variant has been reported in the published literature in a cohort of individuals with personal and/or family history of breast cancer (PMID: 36315513 (2022)) and identified in an endometrial cancer sample in the homozygous state (PMID: 38408048 (2024)). The frequency of this variant in the general population, 0.000008 (2/251004 chromosomes (Genome Aggregation Database)), is uninformative in the assessment of its pathogenicity. Analysis of this variant using bioinformatics tools for the prediction of the effect of amino acid changes on protein structure and function yielded predictions that this variant is benign. Based on the available information, we are unable to determine the clinical significance of this variant.

Ambry Genetics
Classification: Uncertain significance for Hereditary cancer-predisposing syndrome. Last evaluated: 2024-06-05. Review status: criteria provided, single submitter. Criteria: Ambry Variant Classification Scheme 2023. Collection method: clinical testing. Allele origin: germline.
Comment: The p.A584T variant (also known as c.1750G>A), located in coding exon 13 of the SDHA gene, results from a G to A substitution at nucleotide position 1750. The alanine at codon 584 is replaced by threonine, an amino acid with similar properties. This amino acid position is well conserved in available vertebrate species. In addition, the in silico prediction for this alteration is inconclusive. Based on the available evidence, the clinical significance of this variant remains unclear.

Literature cited by the submitters: uncertain (cited by Clinical Genomics Laboratory, Washington University in St. Louis); PubMed 36315513 (cited by Labcorp Genetics (formerly Invitae), Labcorp and Quest Diagnostics Nichols Institute San Juan Capistrano); PubMed 38408048 (cited by Quest Diagnostics Nichols Institute San Juan Capistrano).